The following is an entry in ClinVar:

ClinVar aggregate classification (germline): Conflicting classifications of pathogenicity. Review status: criteria provided, conflicting classifications (1 of 4 stars). 8 submissions from 8 submitters: Uncertain significance (2); Likely benign (5). 1 of the submissions does not count toward it. Last evaluated 2026-05-22.

Conditions:
Hereditary cancer-predisposing syndrome. Also called: Neoplastic Syndromes, Hereditary; Hereditary neoplastic syndrome; Tumor predisposition; Hereditary Cancer Syndrome. Identifiers: Orphanet 140162, MedGen C0027672, MeSH D009386, MONDO:0015356.
Hereditary breast ovarian cancer syndrome. Also called: Hereditary breast and/or ovarian cancer syndrome; Breast and ovarian cancer; BRCA1- and BRCA2-Associated Hereditary Breast and Ovarian Cancer; Hereditary breast and ovarian cancer; Hereditary breast and ovarian cancer syndrome; Hereditary breast and ovarian cancer syndrome (HBOC). Identifiers: Orphanet 145, MedGen C0677776, MeSH D061325, MONDO:0003582. Disease mechanism: loss of function.
Breast-ovarian cancer, familial, susceptibility to, 2 (BROVCA2). Also called: BRCA2 Hereditary Breast and Ovarian Cancer. Identifiers: Orphanet 145, MedGen C2675520, MONDO:0012933, OMIM 612555. Disease mechanism: loss of function.

Allele frequency attached by ClinVar (database versions not stated): TOPMed 0.00002; gnomAD exomes 0.00003 and 0.00005; ExAC 0.00005.
gnomAD v4.1: 42 of 1,613,368 alleles (0.0026%); highest among the groups gnomAD compares: South Asian, 0.046%; no homozygotes.

Submissions (8):

Women's Health and Genetics/Laboratory Corporation of America, LabCorp
Classification: Likely benign. Last evaluated: 2026-05-22. Review status: criteria provided, single submitter. Criteria: LabCorp Variant Classification Summary - May 2015. Collection method: clinical testing. Allele origin: germline.

Labcorp Genetics (formerly Invitae), Labcorp
Classification: Likely benign for Hereditary breast ovarian cancer syndrome. Last evaluated: 2025-11-05. Review status: criteria provided, single submitter. Criteria: Invitae Variant Classification Sherloc (09022015). Collection method: clinical testing. Allele origin: germline.

Blueprint Genetics
Classification: Likely benign. Last evaluated: 2023-06-05. Review status: criteria provided, single submitter. Criteria: ACMG Guidelines, 2015. Collection method: clinical testing. Allele origin: germline.

Sema4
Classification: Uncertain significance for Hereditary cancer-predisposing syndrome. Last evaluated: 2021-11-27. Review status: criteria provided, single submitter. Criteria: Sema4 Curation Guidelines. Collection method: curation. Allele origin: germline.
Comment: The BRCA2 c.8755-9T>C variant has not been reported in the literature to our knowledge. It was observed in 11/30560 chromosomes of the South Asian subpopulation, with no homozygotes, in the large and broad cohorts of the Genome Aggregation Database (PMID: 32461654). The variant has been reported in ClinVar (Variation ID: 38185). In silico tools suggest that the variant does not have an impact on splicing, though these predictions have not been confirmed by functional studies. The evidence is insufficient to meet ACMG/AMP criteria for classifying the variant as benign or pathogenic. Thus, the clinical significance of this variant is currently uncertain.

Quest Diagnostics Nichols Institute San Juan Capistrano
Classification: Likely benign. Last evaluated: 2020-12-30. Review status: criteria provided, single submitter. Criteria: Quest Diagnostics criteria. Collection method: clinical testing. Allele origin: unknown.

GeneDx
Classification: Uncertain significance. Last evaluated: 2018-08-30. Review status: criteria provided, single submitter. Criteria: GeneDx Variant Classification (06012015). Collection method: clinical testing. Allele origin: germline. Affected: yes.
Comment: This variant is denoted BRCA2 c.8755-9T>C or IVS21-9T>C and consists of a T>C nucleotide substitution at the -9 position of intron 21 of the BRCA2 gene. Using alternate nomenclature, this variant would be defined as BRCA2 8983-9T>C. In silico analyses, which include splice predictors and evolutionary conservation, are inconsistent in their assessment as to whether or not the variant is damaging.? This variant has not, to our knowledge, been published in the literature as a pathogenic or benign germline variant. This variant was not observed at a significant allele frequency in large population cohorts (Lek 2016). Based on currently available evidence, it is unclear whether BRCA2 c.8755-9T>C is a pathogenic or benign variant. We consider it to be a variant of uncertain significance.

Color Diagnostics, LLC DBA Color Health
Classification: Likely benign for Hereditary cancer-predisposing syndrome. Last evaluated: 2016-12-13. Review status: criteria provided, single submitter. Criteria: ACMG Guidelines, 2015. Collection method: clinical testing. Allele origin: germline.

Sharing Clinical Reports Project (SCRP)
Classification: Uncertain significance for Breast-ovarian cancer, familial 2. Last evaluated: 2012-02-02. Review status: no assertion criteria provided. Collection method: clinical testing. Allele origin: germline. Not counted in ClinVar's aggregate classification.

NM_000059.4(BRCA2):c.8755-9T>C

Gene: BRCA2 (BRCA2 DNA repair associated; plus strand). Cytogenetic location: 13q13.1.
Variant type: single nucleotide variant.
Coding change: c.8755-9T>C on transcript NM_000059.4 (MANE Select); 9 bases into the intron before coding-DNA position 8755, T replaced by C.
Molecular consequence: intron variant.
Genome position (GRCh38, 1-based): chr13:32,379,308, T>C. VCF-style: chr13-32379308-T-C. GRCh37 (hg19) VCF-style: chr13-32953445-T-C.
Other names: IVS21-9T>C.
Identifiers: ClinVar variation 38185 (VCV000038185.22), dbSNP rs397507413, ClinGen allele CA025816.